The following is an entry in ClinVar:

NM_015512.5(DNAH1):c.9395G>C (p.Arg3132Pro)

Gene: DNAH1 (dynein axonemal heavy chain 1; plus strand). Cytogenetic location: 3p21.1.
Variant type: single nucleotide variant.
Coding change: c.9395G>C on transcript NM_015512.5 (MANE Select); coding-DNA position 9395, G replaced by C.
Protein change: p.Arg3132Pro; replaces arginine 3132 with proline.
Molecular consequence: missense variant.
Genome position (GRCh38, 1-based): chr3:52,388,837, G>C. VCF-style: chr3-52388837-G-C. GRCh37 (hg19) VCF-style: chr3-52422853-G-C.
Other names: short protein forms R3132P.
Identifiers: ClinVar variation 4794634 (VCV004794634.1).

ClinVar aggregate classification (germline): Uncertain significance (1 of 4 stars; one submission).

Conditions:
Spermatogenic failure 18. Identifiers: MedGen C4539783, MONDO:0054615, OMIM 617576.
Ciliary dyskinesia, primary, 37 (CILD37). Also called: CILIARY DYSKINESIA, PRIMARY, 37, WITH OR WITHOUT SITUS INVERSUS. Identifiers: MedGen C4539798, MONDO:0033204, OMIM 617577.

Submission:

Labcorp Genetics (formerly Invitae), Labcorp
Classification: Uncertain significance for Ciliary dyskinesia, primary, 37; Spermatogenic failure 18. Last evaluated: 2025-09-29. Review status: criteria provided, single submitter. Criteria: Invitae Variant Classification Sherloc (09022015). Collection method: clinical testing. Allele origin: germline.
Comment: This sequence change replaces arginine, which is basic and polar, with proline, which is neutral and non-polar, at codon 3132 of the DNAH1 protein (p.Arg3132Pro). This variant is not present in population databases (gnomAD no frequency). This variant has not been reported in the literature in individuals affected with DNAH1-related conditions. Invitae Evidence Modeling of protein sequence and biophysical properties (such as structural, functional, and spatial information, amino acid conservation, physicochemical variation, residue mobility, and thermodynamic stability) indicates that this missense variant is expected to disrupt DNAH1 protein function with a positive predictive value of 80%. In summary, the available evidence is currently insufficient to determine the role of this variant in disease. Therefore, it has been classified as a Variant of Uncertain Significance.